The following is an entry in ClinVar:

NM_000330.4(RS1):c.419G>A (p.Gly140Glu)

Genes: CDKL5 (cyclin dependent kinase like 5; plus strand), RS1 (retinoschisin 1; minus strand). Cytogenetic location: Xp22.13.
Variant type: single nucleotide variant.
Coding change: c.419G>A on transcript NM_000330.4 (MANE Select); coding-DNA position 419, G replaced by A.
Protein change: p.Gly140Glu; replaces glycine 140 with glutamic acid.
Molecular consequence: missense variant. On other transcripts: intron variant (2).
Genome position (GRCh38, 1-based): chrX:18,644,533, C>T on the plus strand (G>A on the coding strand, the complement: RS1 is on the minus strand). VCF-style: chrX-18644533-C-T. GRCh37 (hg19) VCF-style: chrX-18662653-C-T.
Other names: NP_000321.1:p.(Gly140Glu); c.2714-1474C>T (NM_003159.3, NM_001037343.2); short protein forms G140E.
Identifiers: ClinVar variation 98957 (VCV000098957.10), dbSNP rs61752157, ClinGen allele CA226724.

ClinVar aggregate classification (germline): Pathogenic/Likely pathogenic. Review status: criteria provided, multiple submitters, no conflicts (2 of 4 stars). 4 submissions from 4 submitters: Pathogenic (1); Likely pathogenic (2). 1 of the submissions does not count toward it. Last evaluated 2023-07-24.

Conditions:
Juvenile retinoschisis (RS1). Also called: X-Linked Juvenile Retinoschisis; X-linked retinoschisis. Identifiers: Orphanet 792, MedGen C3714753, MONDO:0010725, OMIM 312700.

Submissions (4):

Ophthalmic Genetics Group, Institute of Molecular and Clinical Ophthalmology Basel
Classification: Likely pathogenic for X-linked retinoschisis. Last evaluated: 2023-07-24. Review status: criteria provided, single submitter. Criteria: ACMG Guidelines, 2015. Collection method: research. Allele origin: germline. Affected: yes. Observed: 1 variant allele.
Comment: Clinical significance based on ACMG v2.0

This variant was classified as Likely pathogenic based on ACMG criteria: PP5, PP3, PM2, PM5, PM1, PP2.

Institute of Medical Genetics and Applied Genomics, University Hospital Tübingen
Classification: Likely pathogenic for Juvenile retinoschisis. Last evaluated: 2023-06-02. Review status: criteria provided, single submitter. Criteria: ACMG Guidelines, 2015. Collection method: clinical testing. Allele origin: germline. Inheritance: X-linked recessive inheritance. Affected: yes.

Labcorp Genetics (formerly Invitae), Labcorp
Classification: Pathogenic. Last evaluated: 2022-10-07. Review status: criteria provided, single submitter. Criteria: Invitae Variant Classification Sherloc (09022015). Collection method: clinical testing. Allele origin: germline.
Comment: This variant disrupts the p.Gly140 amino acid residue in RS1. Other variant(s) that disrupt this residue have been determined to be pathogenic (PMID: 9618178, 31456290; Invitae). This suggests that this residue is clinically significant, and that variants that disrupt this residue are likely to be disease-causing. Advanced modeling of protein sequence and biophysical properties (such as structural, functional, and spatial information, amino acid conservation, physicochemical variation, residue mobility, and thermodynamic stability) performed at Invitae indicates that this missense variant is expected to disrupt RS1 protein function. ClinVar contains an entry for this variant (Variation ID: 98957). This missense change has been observed in individuals with retinoschisis (PMID: 9618178; Invitae). This variant is not present in population databases (gnomAD no frequency). This sequence change replaces glycine, which is neutral and non-polar, with glutamic acid, which is acidic and polar, at codon 140 of the RS1 protein (p.Gly140Glu). For these reasons, this variant has been classified as Pathogenic.

Retina International
No classification provided. Review status: no classification provided. Collection method: not provided. Allele origin: unknown. Not counted in ClinVar's aggregate classification.

Literature cited by the submitters: PubMed 36909829 (cited by Ophthalmic Genetics Group, Institute of Molecular and Clinical Ophthalmology Basel); PubMed 9618178 (cited by Labcorp Genetics (formerly Invitae), Labcorp); PubMed 31456290 (cited by Labcorp Genetics (formerly Invitae), Labcorp).